The following is an entry in ClinVar:

ClinVar aggregate classification (germline): Uncertain significance (1 of 4 stars; one submission).

Conditions:
Inborn genetic diseases. Identifiers: MedGen C0950123, MeSH D030342.

Submission:

Ambry Genetics
Classification: Uncertain significance for Inborn genetic diseases. Last evaluated: 2024-10-04. Review status: criteria provided, single submitter. Criteria: Ambry Variant Classification Scheme 2023. Collection method: clinical testing. Allele origin: germline.
Comment: The p.L1837V variant (also known as c.5509C>G), located in coding exon 21 of the FANCM gene, results from a C to G substitution at nucleotide position 5509. The leucine at codon 1837 is replaced by valine, an amino acid with highly similar properties. This amino acid position is conserved. In addition, this alteration is predicted to be tolerated by in silico analysis. Based on the available evidence, the clinical significance of this variant remains unclear.

NM_020937.4(FANCM):c.5509C>G (p.Leu1837Val)

Gene: FANCM (FA complementation group M; plus strand). Cytogenetic location: 14q21.2.
Variant type: single nucleotide variant.
Coding change: c.5509C>G on transcript NM_020937.4 (MANE Select); coding-DNA position 5509, C replaced by G.
Protein change: p.Leu1837Val; replaces leucine 1837 with valine.
Molecular consequence: missense variant.
Genome position (GRCh38, 1-based): chr14:45,196,340, C>G. VCF-style: chr14-45196340-C-G. GRCh37 (hg19) VCF-style: chr14-45665543-C-G.
Other names: c.5431C>G, p.Leu1811Val (NM_001308133.2); short protein forms L1811V, L1837V.
Identifiers: ClinVar variation 3512883 (VCV003512883.1).
Genomic context (GRCh38, chr14:45,196,340, plus strand): 5'-GGAACCTGTATTCTTGTAGGTGGTCATGAAATCACTTCTGGATTAGAAGTAATTTCTTCC[C>G]TAAGAGCAATTCATGGGTTGCAAGTAGAAGTTTGTCCTCTTAATGGCTGTGATTACATCG-3'
Protein context (NP_065988.1, residues 1827-1847): ITSGLEVISS[Leu1837Val]RAIHGLQVEV